The following is an entry in ClinVar:

NM_172364.5(CACNA2D4):c.727A>G (p.Thr243Ala)

Gene: CACNA2D4 (calcium voltage-gated channel auxiliary subunit alpha2delta 4; minus strand). Cytogenetic location: 12p13.33.
Variant type: single nucleotide variant.
Coding change: c.727A>G on transcript NM_172364.5 (MANE Select); coding-DNA position 727, A replaced by G.
Protein change: p.Thr243Ala; replaces threonine 243 with alanine.
Molecular consequence: missense variant.
Genome position (GRCh38, 1-based): chr12:1,907,494, T>C on the plus strand (A>G on the coding strand, the complement: CACNA2D4 is on the minus strand). VCF-style: chr12-1907494-T-C. GRCh37 (hg19) VCF-style: chr12-2016660-T-C.
Other names: short protein forms T243A.
Identifiers: ClinVar variation 2963595 (VCV002963595.3), dbSNP rs777433064, ClinGen allele CA6387430.
Genomic context (GRCh38, chr12:1,907,494, plus strand): 5'-CCTTACCTGGATAGATCCTGAAGAATCCAGTTGCACTGCCAAAATATTGCCAGGTCAACG[T>C]TGGGTCTCTCTGGAAGTTCTCCACGAAGACAGCATTCAAGGCTTCAGACATGTAGACTCC-3'
Protein context (NP_758952.4, residues 233-253): VFVENFQRDP[Thr243Ala]LTWQYFGSAT

ClinVar aggregate classification (germline): Uncertain significance (1 of 4 stars; one submission).

Allele frequency attached by ClinVar (database versions not stated): gnomAD 0.00001; gnomAD exomes 0.00001; TOPMed 0.00001; ExAC 0.00005.
gnomAD v4.1: 22 of 1,613,754 alleles (0.0014%); highest among the groups gnomAD compares: Middle Eastern, 0.016%; no homozygotes.

Submission:

Labcorp Genetics (formerly Invitae), Labcorp
Classification: Uncertain significance. Last evaluated: 2024-03-27. Review status: criteria provided, single submitter. Criteria: Invitae Variant Classification Sherloc (09022015). Collection method: clinical testing. Allele origin: germline.
Comment: This sequence change replaces threonine, which is neutral and polar, with alanine, which is neutral and non-polar, at codon 243 of the CACNA2D4 protein (p.Thr243Ala). This variant is present in population databases (rs777433064, gnomAD 0.01%). This variant has not been reported in the literature in individuals affected with CACNA2D4-related conditions. An algorithm developed to predict the effect of missense changes on protein structure and function (PolyPhen-2) suggests that this variant is likely to be disruptive. In summary, the available evidence is currently insufficient to determine the role of this variant in disease. Therefore, it has been classified as a Variant of Uncertain Significance.